The following is an entry in ClinVar:

ClinVar aggregate classification (germline): Pathogenic (1 of 4 stars; one submission).

Allele frequency attached by ClinVar (database versions not stated): TOPMed 0.00001.
gnomAD v4.1: 1 of 1,613,854 alleles (0.000062%); highest among the groups gnomAD compares: Non-Finnish European, 0.000085%; no homozygotes.

Submission:

Labcorp Genetics (formerly Invitae), Labcorp
Classification: Pathogenic. Last evaluated: 2021-09-07. Review status: criteria provided, single submitter. Criteria: Invitae Variant Classification Sherloc (09022015). Collection method: clinical testing. Allele origin: germline.
Comment: This sequence change creates a premature translational stop signal (p.Ser476*) in the OBSL1 gene. It is expected to result in an absent or disrupted protein product. Loss-of-function variants in OBSL1 are known to be pathogenic (PMID: 19481195, 19877176). This variant is not present in population databases (ExAC no frequency). This variant has not been reported in the literature in individuals with OBSL1-related conditions. For these reasons, this variant has been classified as Pathogenic.

Literature cited by the submitters: PubMed 19481195; PubMed 19877176.

NM_015311.3(OBSL1):c.1427C>A (p.Ser476Ter)

Gene: OBSL1 (obscurin like cytoskeletal adaptor 1; minus strand). Cytogenetic location: 2q35.
Variant type: single nucleotide variant.
Coding change: c.1427C>A on transcript NM_015311.3 (MANE Select); coding-DNA position 1427, C replaced by A.
Protein change: p.Ser476Ter; replaces serine 476 with a stop codon.
Molecular consequence: nonsense.
Genome position (GRCh38, 1-based): chr2:219,567,825, G>T on the plus strand (C>A on the coding strand, the complement: OBSL1 is on the minus strand). VCF-style: chr2-219567825-G-T. GRCh37 (hg19) VCF-style: chr2-220432547-G-T.
Other names: c.1427C>A, p.Ser476Ter (NM_001173408.2, NM_001173431.2); short protein forms S476*.
Identifiers: ClinVar variation 1385927 (VCV001385927.6), dbSNP rs1321473082, ClinGen allele CA350759127.